The following is an entry in ClinVar:

NM_002860.4(ALDH18A1):c.709G>T (p.Gly237Trp)

Gene: ALDH18A1 (aldehyde dehydrogenase 18 family member A1; minus strand). Cytogenetic location: 10q24.1.
Variant type: single nucleotide variant.
Coding change: c.709G>T on transcript NM_002860.4 (MANE Select); coding-DNA position 709, G replaced by T.
Protein change: p.Gly237Trp; replaces glycine 237 with tryptophan.
Molecular consequence: missense variant.
Genome position (GRCh38, 1-based): chr10:95,633,499, C>A on the plus strand (G>T on the coding strand, the complement: ALDH18A1 is on the minus strand). VCF-style: chr10-95633499-C-A. GRCh37 (hg19) VCF-style: chr10-97393256-C-A.
Other names: c.709G>T, p.Gly237Trp (NM_001017423.2, NM_001323413.2, NM_001323414.2 and 1 more transcripts); c.376G>T, p.Gly126Trp (NM_001323412.2, NM_001323416.2, NM_001323418.2); c.604G>T, p.Gly202Trp (NM_001323417.2); c.73G>T, p.Gly25Trp (NM_001323419.2); short protein forms G237W, G202W, G126W, G25W.
Identifiers: ClinVar variation 638826 (VCV000638826.11), dbSNP rs201841420, ClinGen allele CA5620549.

ClinVar aggregate classification (germline): Uncertain significance (1 of 4 stars; one submission).

Conditions:
Cutis laxa, autosomal dominant 3 (ADCL3). Identifiers: Orphanet 90348, MedGen C4225268, MONDO:0014706, OMIM 616603.
Autosomal dominant spastic paraplegia type 9. Identifiers: MedGen C1832669, MONDO:0015091.
de Barsy syndrome. Also called: Cutis laxa-corneal clouding-oligophrenia syndrome. Identifiers: Orphanet 2962, MedGen C0268354, MONDO:0017569.

Allele frequency attached by ClinVar (database versions not stated): TOPMed 0.00002; ESP Exome Variant Server 0.00023.
gnomAD v4.1: 16 of 1,614,016 alleles (0.00099%); highest among the groups gnomAD compares: African/African-American, 0.0013%; no homozygotes.

Submission:

Labcorp Genetics (formerly Invitae), Labcorp
Classification: Uncertain significance for Autosomal dominant spastic paraplegia type 9; de Barsy syndrome; Cutis laxa, autosomal dominant 3. Last evaluated: 2025-05-18. Review status: criteria provided, single submitter. Criteria: Invitae Variant Classification Sherloc (09022015). Collection method: clinical testing. Allele origin: germline.
Comment: This sequence change replaces glycine, which is neutral and non-polar, with tryptophan, which is neutral and slightly polar, at codon 237 of the ALDH18A1 protein (p.Gly237Trp). This variant is present in population databases (rs201841420, gnomAD 0.005%). This variant has not been reported in the literature in individuals affected with ALDH18A1-related conditions. ClinVar contains an entry for this variant (Variation ID: 638826). Invitae Evidence Modeling of protein sequence and biophysical properties (such as structural, functional, and spatial information, amino acid conservation, physicochemical variation, residue mobility, and thermodynamic stability) has been performed for this missense variant. However, the output from this modeling did not meet the statistical confidence thresholds required to predict the impact of this variant on ALDH18A1 protein function. In summary, the available evidence is currently insufficient to determine the role of this variant in disease. Therefore, it has been classified as a Variant of Uncertain Significance.